The following is an entry in ClinVar:

ClinVar aggregate classification (germline): Uncertain significance (1 of 4 stars; one submission).

Conditions:
Hereditary cancer-predisposing syndrome. Also called: Hereditary Cancer Syndrome; Hereditary neoplastic syndrome; Tumor predisposition; Neoplastic Syndromes, Hereditary. Identifiers: Orphanet 140162, MedGen C0027672, MeSH D009386, MONDO:0015356.

Submission:

Ambry Genetics
Classification: Uncertain significance for Hereditary cancer-predisposing syndrome. Last evaluated: 2022-01-27. Review status: criteria provided, single submitter. Criteria: Ambry Variant Classification Scheme 2023. Collection method: clinical testing. Allele origin: germline.
Comment: The p.M806L variant (also known as c.2416A>C), located in coding exon 14 of the PMS2 gene, results from an A to C substitution at nucleotide position 2416. The methionine at codon 806 is replaced by leucine, an amino acid with highly similar properties. This amino acid position is conserved. In addition, this alteration is predicted to be deleterious by in silico analysis. Since supporting evidence is limited at this time, the clinical significance of this alteration remains unclear.

NM_000535.7(PMS2):c.2416A>C (p.Met806Leu)

Gene: PMS2 (PMS1 homolog 2, mismatch repair system component; minus strand). Cytogenetic location: 7p22.1.
Variant type: single nucleotide variant.
Coding change: c.2416A>C on transcript NM_000535.7 (MANE Select); coding-DNA position 2416, A replaced by C.
Protein change: p.Met806Leu; replaces methionine 806 with leucine.
Molecular consequence: missense variant. On other transcripts: non-coding transcript variant (1).
Genome position (GRCh38, 1-based): chr7:5,977,617, T>G on the plus strand (A>C on the coding strand, the complement: PMS2 is on the minus strand). VCF-style: chr7-5977617-T-G. GRCh37 (hg19) VCF-style: chr7-6017248-T-G.
Other names: c.2011A>C, p.Met671Leu (NM_001018040.1, NM_001322003.2, NM_001322004.2 and 12 more transcripts); c.2260A>C, p.Met754Leu (NM_001322006.2); c.2098A>C, p.Met700Leu (NM_001322007.2, NM_001322008.2, NM_001406883.1); c.2044A>C, p.Met682Leu (NM_001322009.2, NM_001406887.1, NM_001406888.1); c.1855A>C, p.Met619Leu (NM_001322010.2, NM_001406906.1, NM_001406907.1); c.1483A>C, p.Met495Leu (NM_001322011.2, NM_001322012.2); c.1843A>C, p.Met615Leu (NM_001322013.2, NM_001406908.1, NM_001406909.1); c.2449A>C, p.Met817Leu (NM_001322014.2); and 20 more; short protein forms M495L, M635L, M644L, M694L, M703L, M711L, M740L, M765L.
Identifiers: ClinVar variation 1790937 (VCV001790937.2), dbSNP rs1554293792, ClinGen allele CA366735631.
Genomic context (GRCh38, chr7:5,977,617, plus strand): 5'-CTGAGCTGACAGCCAGGCTTTCTTTACTTACCGACTTCCGGCAGGCTCTGGAGGCAAACA[T>G]CTGCTTGACTCGGGAAGGCCGGCACATGACCCCAGGGCTGTCGCTCAGCATGAAGATCAG-3'
Protein context (NP_000526.2, residues 796-816): VMCRPSRVKQ[Met806Leu]FASRACRKSV